The following is an entry in ClinVar:

ClinVar aggregate classification (germline): Benign. Review status: criteria provided, multiple submitters, no conflicts (2 of 4 stars). 6 submissions from 6 submitters: Benign (6). Last evaluated 2026-02-03.

Conditions:
Epilepsy, childhood absence, susceptibility to, 1. Also called: Epilepsy, childhood absence 1. Identifiers: Orphanet 64280, MedGen C1838604, MONDO:0020759, OMIM 600131.
Epilepsy, childhood absence, susceptibility to, 5. Identifiers: Orphanet 64280, MedGen C2677087, MONDO:0012843, OMIM 612269.
Seizure. Also called: Seizures. Identifiers: MedGen C0036572, HP:0001250.

Allele frequency attached by ClinVar (database versions not stated): gnomAD exomes 0.02475 and 0.03069; gnomAD 0.02260 and 0.02298; ESP Exome Variant Server 0.02530; 1000 Genomes Project 30x 0.01327; TOPMed 0.02129; 1000 Genomes Project 0.01318; ExAC 0.02469.
gnomAD v4.1: 47,955 of 1,613,916 alleles (3%); highest among the groups gnomAD compares: Non-Finnish European, 3.4%; 854 homozygotes.

Submissions (6):

Labcorp Genetics (formerly Invitae), Labcorp
Classification: Benign for Epilepsy, childhood absence, susceptibility to, 5; Epilepsy, childhood absence, susceptibility to, 1. Last evaluated: 2026-02-03. Review status: criteria provided, single submitter. Criteria: Invitae Variant Classification Sherloc (09022015). Collection method: clinical testing. Allele origin: germline.

Mayo Clinic Laboratories, Mayo Clinic
Classification: Benign. Last evaluated: 2018-08-15. Review status: criteria provided, single submitter. Criteria: ACMG Guidelines, 2015. Collection method: clinical testing. Allele origin: germline. Observed: 21 variant alleles.

Ambry Genetics
Classification: Benign for Seizures. Last evaluated: 2016-04-11. Review status: criteria provided, single submitter. Criteria: Ambry Autosomal Dominant and X-Linked criteria (10/2015). Collection method: clinical testing. Allele origin: germline. Observed: 1 variant allele.
Comment: General population or subpopulation frequency is too high to be a pathogenic mutation based on disease/syndrome prevalence and penetrance

GeneDx
Classification: Benign. Last evaluated: 2016-01-26. Review status: criteria provided, single submitter. Criteria: GeneDx Variant Classification (06012015). Collection method: clinical testing. Allele origin: germline. Affected: yes.
Comment: This variant is considered likely benign or benign based on one or more of the following criteria: it is a conservative change, it occurs at a poorly conserved position in the protein, it is predicted to be benign by multiple in silico algorithms, and/or has population frequency not consistent with disease.

Breakthrough Genomics
Classification: Benign. Review status: criteria provided, single submitter. Criteria: ACMG Guidelines, 2015. Collection method: not provided. Allele origin: germline. Inheritance: Autosomal dominant inheritance. Affected: yes.

PreventionGenetics, part of Exact Sciences
Classification: Benign. Review status: criteria provided, single submitter. Criteria: ACMG Guidelines, 2015. Collection method: clinical testing. Allele origin: germline.

NM_000814.6(GABRB3):c.783G>A (p.Ser261=)

Gene: GABRB3 (gamma-aminobutyric acid type A receptor subunit beta3; minus strand). Cytogenetic location: 15q12.
Variant type: single nucleotide variant.
Coding change: c.783G>A on transcript NM_000814.6 (MANE Select); coding-DNA position 783, G replaced by A.
Protein change: p.Ser261=; no amino-acid change (serine 261 retained).
Molecular consequence: synonymous variant.
Genome position (GRCh38, 1-based): chr15:26,567,633, C>T on the plus strand (G>A on the coding strand, the complement: GABRB3 is on the minus strand). VCF-style: chr15-26567633-C-T. GRCh37 (hg19) VCF-style: chr15-26812780-C-T.
Other names: p.Ser261=; c.528G>A, p.Ser176= (NM_001191320.2, NM_001278631.2); c.570G>A, p.Ser190= (NM_001191321.3); c.783G>A, p.Ser261= (NM_021912.5).
Identifiers: ClinVar variation 256821 (VCV000256821.15), dbSNP rs76812964, ClinGen allele CA7437363.
Genomic context (GRCh38, chr15:26,567,633, plus strand): 5'-GCACATACCGAGGGCAACTCTAGCAGCAGATGCATCATAATTGATCCAGAAGGACACCCA[C>T]GACAGAATCGTTATCAGTATAGAGGGCATATAAGTCTGAAGAATGAAGTATCCAATGTTC-3'
Protein context (NP_000805.1, residues 251-271): YMPSILITIL[Ser261=]WVSFWINYDA